The following is an entry in ClinVar:

ClinVar aggregate classification (germline): Uncertain significance. Review status: criteria provided, multiple submitters, no conflicts (2 of 4 stars). 2 submissions from 2 submitters: Uncertain significance (2). Last evaluated 2025-01-31.

Conditions:
Hypertrophic cardiomyopathy. Also called: HYPERTROPHIC MYOCARDIOPATHY. Identifiers: Orphanet 217569, MedGen C0007194, MeSH D002312, MONDO:0005045, HP:0001639.

Allele frequency attached by ClinVar (database versions not stated): gnomAD exomes 0.00004 and 0.00012; TOPMed 0.00004; gnomAD 0.00005 and 0.00006; ExAC 0.00008.
gnomAD v4.1: 61 of 1,613,482 alleles (0.0038%); highest among the groups gnomAD compares: East Asian, 0.056%; no homozygotes.

Submissions (2):

Labcorp Genetics (formerly Invitae), Labcorp
Classification: Uncertain significance for Hypertrophic cardiomyopathy. Last evaluated: 2025-01-31. Review status: criteria provided, single submitter. Criteria: Invitae Variant Classification Sherloc (09022015). Collection method: clinical testing. Allele origin: germline.
Comment: This sequence change replaces glycine, which is neutral and non-polar, with arginine, which is basic and polar, at codon 1066 of the MYOM1 protein (p.Gly1066Arg). This variant is present in population databases (rs756554639, gnomAD 0.1%), and has an allele count higher than expected for a pathogenic variant. This variant has not been reported in the literature in individuals affected with MYOM1-related conditions. ClinVar contains an entry for this variant (Variation ID: 1360926). Invitae Evidence Modeling of protein sequence and biophysical properties (such as structural, functional, and spatial information, amino acid conservation, physicochemical variation, residue mobility, and thermodynamic stability) has been performed for this missense variant. However, the output from this modeling did not meet the statistical confidence thresholds required to predict the impact of this variant on MYOM1 protein function. In summary, the available evidence is currently insufficient to determine the role of this variant in disease. Therefore, it has been classified as a Variant of Uncertain Significance.

Ambry Genetics
Classification: Uncertain significance. Last evaluated: 2021-12-03. Review status: criteria provided, single submitter. Criteria: Ambry Variant Classification Scheme 2023. Collection method: clinical testing. Allele origin: germline.
Comment: The p.G1066R variant (also known as c.3196G>A), located in coding exon 20 of the MYOM1 gene, results from a G to A substitution at nucleotide position 3196. The glycine at codon 1066 is replaced by arginine, an amino acid with dissimilar properties. This amino acid position is conserved. In addition, this alteration is predicted to be deleterious by in silico analysis. Since supporting evidence is limited at this time, the clinical significance of this alteration remains unclear.

NM_003803.4(MYOM1):c.3196G>A (p.Gly1066Arg)

Gene: MYOM1 (myomesin 1; minus strand). Cytogenetic location: 18p11.31.
Variant type: single nucleotide variant.
Coding change: c.3196G>A on transcript NM_003803.4 (MANE Select); coding-DNA position 3196, G replaced by A.
Protein change: p.Gly1066Arg; replaces glycine 1066 with arginine.
Molecular consequence: missense variant.
Genome position (GRCh38, 1-based): chr18:3,116,438, C>T on the plus strand (G>A on the coding strand, the complement: MYOM1 is on the minus strand). VCF-style: chr18-3116438-C-T. GRCh37 (hg19) VCF-style: chr18-3116436-C-T.
Other names: c.2908G>A, p.Gly970Arg (NM_019856.2); short protein forms G970R, G1066R.
Identifiers: ClinVar variation 1360926 (VCV001360926.8), dbSNP rs756554639, ClinGen allele CA8874384.